The following is an entry in ClinVar:

ClinVar aggregate classification (germline): Uncertain significance. Review status: criteria provided, multiple submitters, no conflicts (2 of 4 stars). 2 submissions from 2 submitters: Uncertain significance (2). Last evaluated 2025-09-25.

Conditions:
Inborn genetic diseases. Identifiers: MedGen C0950123, MeSH D030342.
Malignant hyperthermia, susceptibility to, 1 (MHS1). Also called: Malignant hyperthermia suceptibility 1; Anesthesia related hyperthermia; Malignant hyperpyrexia; Fulminating hyperpyrexia; Pharmacogenic myopathy; RYR1-Related Malignant Hyperthermia Susceptibility. Identifiers: Orphanet 423, MedGen C2930980, MONDO:0007783, OMIM 145600.

gnomAD v4.1: 3 of 1,614,146 alleles (0.00019%); highest among the groups gnomAD compares: Non-Finnish European, 0.00025%; no homozygotes.

Submissions (2):

Ambry Genetics
Classification: Uncertain significance for Inborn genetic diseases. Last evaluated: 2025-09-25. Review status: criteria provided, single submitter. Criteria: Ambry Variant Classification Scheme 2023. Collection method: clinical testing. Allele origin: germline.

Color Diagnostics, LLC DBA Color Health
Classification: Uncertain significance for Malignant hyperthermia, susceptibility to, 1. Last evaluated: 2025-08-25. Review status: criteria provided, single submitter. Criteria: ACMG Guidelines, 2015. Collection method: clinical testing. Allele origin: germline.
Comment: This missense variant replaces valine with methionine at codon 3080 of the RYR1 protein. Computational prediction is inconclusive regarding the impact of this variant on protein structure and function. To our knowledge, functional studies have not been reported for this variant. This variant has not been reported in individuals affected with RYR1-related disorders in the literature. This variant has not been identified in the general population by the Genome Aggregation Database (gnomAD). The available evidence is insufficient to determine the role of this variant in disease conclusively. Therefore, this variant is classified as a Variant of Uncertain Significance.

NM_000540.3(RYR1):c.9238G>A (p.Val3080Met)

Gene: RYR1 (ryanodine receptor 1; plus strand). Cytogenetic location: 19q13.2.
Variant type: single nucleotide variant.
Coding change: c.9238G>A on transcript NM_000540.3 (MANE Select); coding-DNA position 9238, G replaced by A.
Protein change: p.Val3080Met; replaces valine 3080 with methionine.
Molecular consequence: missense variant.
Genome position (GRCh38, 1-based): chr19:38,512,249, G>A. VCF-style: chr19-38512249-G-A. GRCh37 (hg19) VCF-style: chr19-39002889-G-A.
Other names: c.9238G>A, p.Val3080Met (NM_001042723.2); short protein forms V3080M.
Identifiers: ClinVar variation 4629727 (VCV004629727.2).